The following is an entry in ClinVar:

ClinVar aggregate classification (germline): Benign. Review status: criteria provided, multiple submitters, no conflicts (2 of 4 stars). 3 submissions from 3 submitters: Benign (2). 1 of the submissions does not count toward it. Last evaluated 2016-03-29.

Conditions:
DNAH7-related disorder. Also called: DNAH7-related condition.

Allele frequency attached by ClinVar (database versions not stated): gnomAD exomes 0.03114; ExAC 0.03429; 1000 Genomes Project 0.05551; 1000 Genomes Project 30x 0.05762; gnomAD 0.05995 and 0.06309; ESP Exome Variant Server 0.06169; TOPMed 0.06341.
gnomAD v4.1: 56,779 of 1,612,554 alleles (3.5%); highest among the groups gnomAD compares: African/African-American, 15%; 1,608 homozygotes.

Submissions (3):

Laboratory for Molecular Medicine, Mass General Brigham Personalized Medicine
Classification: Benign. Last evaluated: 2016-03-29. Review status: criteria provided, single submitter. Criteria: LMM Criteria. Collection method: clinical testing. Allele origin: germline.
Comment: Variant identified in a genome or exome case(s) and assessed due to predicted null impact of the variant or pathogenic assertions in the literature or databases. Disclaimer: This variant has not undergone full assessment. The following are preliminary notes: Frequency

Breakthrough Genomics
Classification: Benign. Review status: criteria provided, single submitter. Criteria: ACMG Guidelines, 2015. Collection method: not provided. Allele origin: germline. Inheritance: Unknown mechanism. Affected: yes.

PreventionGenetics, part of Exact Sciences
Classification: Benign for DNAH7-related condition. Last evaluated: 2024-07-29. Review status: no assertion criteria provided. Collection method: clinical testing. Allele origin: germline. Not counted in ClinVar's aggregate classification.
Comment: This variant is classified as benign based on ACMG/AMP sequence variant interpretation guidelines (Richards et al. 2015 PMID: 25741868, with internal and published modifications).

NM_018897.3(DNAH7):c.5560A>G (p.Ile1854Val)

Gene: DNAH7 (dynein axonemal heavy chain 7; minus strand). Cytogenetic location: 2q32.3.
Variant type: single nucleotide variant.
Coding change: c.5560A>G on transcript NM_018897.3 (MANE Select); coding-DNA position 5560, A replaced by G.
Protein change: p.Ile1854Val; replaces isoleucine 1854 with valine.
Molecular consequence: missense variant.
Genome position (GRCh38, 1-based): chr2:195,884,788, T>C on the plus strand (A>G on the coding strand, the complement: DNAH7 is on the minus strand). VCF-style: chr2-195884788-T-C. GRCh37 (hg19) VCF-style: chr2-196749512-T-C.
Other names: short protein forms I1854V.
Identifiers: ClinVar variation 402750 (VCV000402750.7), dbSNP rs62623593, ClinGen allele CA2035355.
Genomic context (GRCh38, chr2:195,884,788, plus strand): 5'-GAAGAATCTTATTAAATTTCAATCGATCATCATCTGTACAAGAAGCACCAACGGACCAGA[T>C]CAATGAAAACAGAAAAATGCCCTGCATTGGACAGATGAGAAGATTAAGAACAATTAAAGA-3'
Protein context (NP_061720.2, residues 1844-1864): LLEGIFLFSL[Ile1854Val]WSVGASCTDD